The following is an entry in ClinVar:

NM_000535.7(PMS2):c.291C>A (p.Asp97Glu)

Gene: PMS2 (PMS1 homolog 2, mismatch repair system component; minus strand). Cytogenetic location: 7p22.1.
Variant type: single nucleotide variant.
Coding change: c.291C>A on transcript NM_000535.7 (MANE Select); coding-DNA position 291, C replaced by A.
Protein change: p.Asp97Glu; replaces aspartic acid 97 with glutamic acid.
Molecular consequence: missense variant. On other transcripts: 5 prime UTR variant (9), non-coding transcript variant (1), intron variant (2).
Genome position (GRCh38, 1-based): chr7:6,003,752, G>T on the plus strand (C>A on the coding strand, the complement: PMS2 is on the minus strand). VCF-style: chr7-6003752-G-T. GRCh37 (hg19) VCF-style: chr7-6043383-G-T.
Other names: c.291C>A, p.Asp97Glu (NM_001322006.2, NM_001322014.2); c.-115C>A (NM_001322009.2, NM_001322010.2, NM_001322013.2 and 3 more transcripts); c.-594C>A (NM_001322011.2, NM_001322012.2); c.-194C>A (NM_001322015.2); c.35+220C>A (NM_001322008.2, NM_001322007.2); short protein forms D97E.
Identifiers: ClinVar variation 237911 (VCV000237911.18), dbSNP rs878854049, ClinGen allele CA10582529.

ClinVar aggregate classification (germline): Uncertain significance. Review status: criteria provided, multiple submitters, no conflicts (2 of 4 stars). 4 submissions from 4 submitters: Uncertain significance (4). Last evaluated 2024-07-05.

Conditions:
Hereditary nonpolyposis colorectal neoplasms. Identifiers: MedGen C0009405, MeSH D003123.
Hereditary cancer-predisposing syndrome. Also called: Neoplastic Syndromes, Hereditary; Hereditary neoplastic syndrome; Tumor predisposition; Hereditary Cancer Syndrome. Identifiers: Orphanet 140162, MedGen C0027672, MeSH D009386, MONDO:0015356.
Lynch syndrome. Identifiers: Orphanet 144, MedGen C4552100, MONDO:0005835. Disease mechanism: loss of function.

Allele frequency attached by ClinVar (database versions not stated): TOPMed below 0.00001; gnomAD 0.00001.

Submissions (4):

Ambry Genetics
Classification: Uncertain significance for Hereditary cancer-predisposing syndrome. Last evaluated: 2024-07-05. Review status: criteria provided, single submitter. Criteria: Ambry Variant Classification Scheme 2023. Collection method: clinical testing. Allele origin: germline.
Comment: The p.D97E variant (also known as c.291C>A), located in coding exon 4 of the PMS2 gene, results from a C to A substitution at nucleotide position 291. The aspartic acid at codon 97 is replaced by glutamic acid, an amino acid with highly similar properties. This amino acid position is highly conserved in available vertebrate species. In addition, this alteration is predicted to be deleterious by in silico analysis. Based on the available evidence, the clinical significance of this variant remains unclear.

Labcorp Genetics (formerly Invitae), Labcorp
Classification: Uncertain significance for Hereditary nonpolyposis colorectal neoplasms. Last evaluated: 2024-06-11. Review status: criteria provided, single submitter. Criteria: Invitae Variant Classification Sherloc (09022015). Collection method: clinical testing. Allele origin: germline.
Comment: This sequence change replaces aspartic acid, which is acidic and polar, with glutamic acid, which is acidic and polar, at codon 97 of the PMS2 protein (p.Asp97Glu). This variant is not present in population databases (gnomAD no frequency). This variant has not been reported in the literature in individuals affected with PMS2-related conditions. ClinVar contains an entry for this variant (Variation ID: 237911). Advanced modeling of protein sequence and biophysical properties (such as structural, functional, and spatial information, amino acid conservation, physicochemical variation, residue mobility, and thermodynamic stability) performed at Invitae indicates that this missense variant is expected to disrupt PMS2 protein function with a positive predictive value of 80%. In summary, the available evidence is currently insufficient to determine the role of this variant in disease. Therefore, it has been classified as a Variant of Uncertain Significance.

All of Us Research Program, National Institutes of Health
Classification: Uncertain significance for Lynch syndrome. Last evaluated: 2024-03-05. Review status: criteria provided, single submitter. Criteria: ACMG Guidelines, 2015. Collection method: clinical testing. Allele origin: germline. Inheritance: Autosomal dominant inheritance. Observed: 1 variant allele, 1 heterozygote.
Comment: This study involves interpretation of variants in research participants for the purpose of population health screening. Participant phenotype was not available at the time of variant classification. Additional details can be found in publication PMID: 35346344, PMCID: PMC8962531

Color Diagnostics, LLC DBA Color Health
Classification: Uncertain significance for Hereditary cancer-predisposing syndrome. Last evaluated: 2023-12-05. Review status: criteria provided, single submitter. Criteria: ACMG Guidelines, 2015. Collection method: clinical testing. Allele origin: germline.
Comment: This missense variant replaces aspartic acid with glutamic acid at codon 97 of the PMS2 protein. Computational prediction suggests that this variant may have deleterious impact on protein structure and function (internally defined REVEL score threshold >= 0.7, PMID: 27666373). To our knowledge, functional studies have not been reported for this variant. This variant has not been reported in individuals affected with PMS2-related disorders in the literature. This variant has not been identified in the general population by the Genome Aggregation Database (gnomAD). The available evidence is insufficient to determine the role of this variant in disease conclusively. Therefore, this variant is classified as a Variant of Uncertain Significance.